The following is an entry in ClinVar:

ClinVar aggregate classification (germline): Uncertain significance (1 of 4 stars; one submission).

Conditions:
Sulfite oxidase deficiency due to molybdenum cofactor deficiency type A. Also called: Molybdenum cofactor deficiency, complementation group A; Molybdenum Cofactor Deficiency A. Identifiers: Orphanet 308386, Orphanet 833, MedGen C1854988, MONDO:0009643, OMIM 252150.

Allele frequency attached by ClinVar (database versions not stated): gnomAD 0.00001; TOPMed 0.00001; ESP Exome Variant Server 0.00008.
gnomAD v4.1: 1 of 1,614,102 alleles (0.000062%); highest among the groups gnomAD compares: African/African-American, 0.0013%; no homozygotes.

Submission:

Labcorp Genetics (formerly Invitae), Labcorp
Classification: Uncertain significance for Sulfite oxidase deficiency due to molybdenum cofactor deficiency type A. Last evaluated: 2022-04-06. Review status: criteria provided, single submitter. Criteria: Invitae Variant Classification Sherloc (09022015). Collection method: clinical testing. Allele origin: germline.
Comment: In summary, the available evidence is currently insufficient to determine the role of this variant in disease. Therefore, it has been classified as a Variant of Uncertain Significance. Experimental studies and prediction algorithms are not available or were not evaluated, and the effect of this variant on mRNA splicing is currently unknown. This variant has not been reported in the literature in individuals affected with MOCS1-related conditions. This variant is not present in population databases (gnomAD no frequency). This sequence change affects codon 198 of the MOCS1 mRNA. It is a 'silent' change, meaning that it does not change the encoded amino acid sequence of the MOCS1 protein.

NM_001358530.2(MOCS1):c.594G>A (p.Lys198=)

Gene: MOCS1 (molybdenum cofactor synthesis 1; minus strand). Cytogenetic location: 6p21.2.
Variant type: single nucleotide variant.
Coding change: c.594G>A on transcript NM_001358530.2 (MANE Select); coding-DNA position 594, G replaced by A.
Protein change: p.Lys198=; no amino-acid change (lysine 198 retained).
Molecular consequence: synonymous variant. On other transcripts: non-coding transcript variant (1).
Genome position (GRCh38, 1-based): chr6:39,913,825, C>T on the plus strand (G>A on the coding strand, the complement: MOCS1 is on the minus strand). VCF-style: chr6-39913825-C-T. GRCh37 (hg19) VCF-style: chr6-39881569-C-T.
Other names: c.594G>A, p.Lys198= (NM_001075098.4, NM_001358529.2, NM_005943.6); c.333G>A, p.Lys111= (NM_001358531.2, NM_001358533.2, NM_001358534.2).
Identifiers: ClinVar variation 2122288 (VCV002122288.4), dbSNP rs148899319, ClinGen allele CA137651929.